The following is an entry in ClinVar:

NM_005518.4(HMGCS2):c.859G>A (p.Asp287Asn)

Gene: HMGCS2 (3-hydroxy-3-methylglutaryl-CoA synthase 2; minus strand). Cytogenetic location: 1p12.
Variant type: single nucleotide variant.
Coding change: c.859G>A on transcript NM_005518.4 (MANE Select); coding-DNA position 859, G replaced by A.
Protein change: p.Asp287Asn; replaces aspartic acid 287 with asparagine.
Molecular consequence: missense variant.
Genome position (GRCh38, 1-based): chr1:119,757,430, C>T on the plus strand (G>A on the coding strand, the complement: HMGCS2 is on the minus strand). VCF-style: chr1-119757430-C-T. GRCh37 (hg19) VCF-style: chr1-120300053-C-T.
Other names: c.733G>A, p.Asp245Asn (NM_001166107.1); short protein forms D287N, D245N.
Identifiers: ClinVar variation 3106284 (VCV003106284.2), dbSNP rs587671242, ClinGen allele CA1037748.

ClinVar aggregate classification (germline): Uncertain significance. Review status: criteria provided, multiple submitters, no conflicts (2 of 4 stars). 2 submissions from 2 submitters: Uncertain significance (2). Last evaluated 2025-11-12.

Conditions:
3-hydroxy-3-methylglutaryl-CoA synthase deficiency (HMGCS2D). Also called: HMGCS2 DEFICIENCY; MITOCHONDRIAL HMG-CoA SYNTHASE DEFICIENCY; HMG-CoA synthase-2 deficiency. Identifiers: Orphanet 35701, MedGen C2751532, MONDO:0011614, OMIM 605911.
Inborn genetic diseases. Identifiers: MedGen C0950123, MeSH D030342.

Allele frequency attached by ClinVar (database versions not stated): gnomAD exomes 0.00001; ExAC 0.00002; TOPMed 0.00006; gnomAD 0.00007; 1000 Genomes Project 30x 0.00016; 1000 Genomes Project 0.00020.
gnomAD v4.1: 26 of 1,613,936 alleles (0.0016%); highest among the groups gnomAD compares: African/African-American, 0.012%; no homozygotes.

Submissions (2):

Labcorp Genetics (formerly Invitae), Labcorp
Classification: Uncertain significance for 3-hydroxy-3-methylglutaryl-CoA synthase deficiency. Last evaluated: 2025-11-12. Review status: criteria provided, single submitter. Criteria: Invitae Variant Classification Sherloc (09022015). Collection method: clinical testing. Allele origin: germline.
Comment: This sequence change replaces aspartic acid, which is acidic and polar, with asparagine, which is neutral and polar, at codon 287 of the HMGCS2 protein (p.Asp287Asn). This variant is present in population databases (rs587671242, gnomAD 0.02%). This variant has not been reported in the literature in individuals affected with HMGCS2-related conditions. ClinVar contains an entry for this variant (Variation ID: 3106284). An algorithm developed to predict the effect of missense changes on protein structure and function outputs the following: PolyPhen-2: "Benign". The asparagine amino acid residue is found in multiple mammalian species, which suggests that this missense change does not adversely affect protein function. In summary, the available evidence is currently insufficient to determine the role of this variant in disease. Therefore, it has been classified as a Variant of Uncertain Significance.

Ambry Genetics
Classification: Uncertain significance for Inborn genetic diseases. Last evaluated: 2023-12-17. Review status: criteria provided, single submitter. Criteria: Ambry Variant Classification Scheme 2023. Collection method: clinical testing. Allele origin: germline.